The following is an entry in ClinVar:

NM_001204.7(BMPR2):c.2750C>T (p.Ala917Val)

Gene: BMPR2 (bone morphogenetic protein receptor type 2; plus strand). Cytogenetic location: 2q33.2.
Variant type: single nucleotide variant.
Coding change: c.2750C>T on transcript NM_001204.7 (MANE Select); coding-DNA position 2750, C replaced by T.
Protein change: p.Ala917Val; replaces alanine 917 with valine.
Molecular consequence: missense variant.
Genome position (GRCh38, 1-based): chr2:202,556,415, C>T. VCF-style: chr2-202556415-C-T. GRCh37 (hg19) VCF-style: chr2-203421138-C-T.
Other names: short protein forms A917V.
Identifiers: ClinVar variation 3481342 (VCV003481342.1).

ClinVar aggregate classification (germline): Uncertain significance (1 of 4 stars; one submission).

Conditions:
Inborn genetic diseases. Identifiers: MedGen C0950123, MeSH D030342.

gnomAD v4.1: 2 of 1,614,178 alleles (0.00012%); highest among the groups gnomAD compares: Non-Finnish European, 0.000085%; no homozygotes.

Submission:

Ambry Genetics
Classification: Uncertain significance for Inborn genetic diseases. Last evaluated: 2024-12-06. Review status: criteria provided, single submitter. Criteria: Ambry Variant Classification Scheme 2023. Collection method: clinical testing. Allele origin: germline.
Comment: The p.A917V variant (also known as c.2750C>T), located in coding exon 12 of the BMPR2 gene, results from a C to T substitution at nucleotide position 2750. The alanine at codon 917 is replaced by valine, an amino acid with similar properties. This amino acid position is conserved. In addition, this alteration is predicted to be tolerated by in silico analysis. Based on the available evidence, the clinical significance of this variant remains unclear.